The following is an entry in ClinVar:

NM_001017979.3(RAB28):c.128A>G (p.Gln43Arg)

Gene: RAB28 (RAB28, member RAS oncogene family; minus strand). Cytogenetic location: 4p15.33.
Variant type: single nucleotide variant.
Coding change: c.128A>G on transcript NM_001017979.3 (MANE Select); coding-DNA position 128, A replaced by G.
Protein change: p.Gln43Arg; replaces glutamine 43 with arginine.
Molecular consequence: missense variant.
Genome position (GRCh38, 1-based): chr4:13,479,474, T>C on the plus strand (A>G on the coding strand, the complement: RAB28 is on the minus strand). VCF-style: chr4-13479474-T-C. GRCh37 (hg19) VCF-style: chr4-13481098-T-C.
Other names: c.128A>G, p.Gln43Arg (NM_001159601.2, NM_004249.4); short protein forms Q43R.
Identifiers: ClinVar variation 1022707 (VCV001022707.6), dbSNP rs1716512015, ClinGen allele CA356374893.

ClinVar aggregate classification (germline): Uncertain significance (1 of 4 stars; one submission).

Allele frequency attached by ClinVar (database versions not stated): gnomAD exomes below 0.00001; gnomAD 0.00001.
gnomAD v4.1: 3 of 1,609,600 alleles (0.00019%); highest among the groups gnomAD compares: Admixed American, 0.0033%; no homozygotes.

Submission:

Labcorp Genetics (formerly Invitae), Labcorp
Classification: Uncertain significance. Last evaluated: 2020-08-20. Review status: criteria provided, single submitter. Criteria: Invitae Variant Classification Sherloc (09022015). Collection method: clinical testing. Allele origin: germline.
Comment: In summary, the available evidence is currently insufficient to determine the role of this variant in disease. Therefore, it has been classified as a Variant of Uncertain Significance. Algorithms developed to predict the effect of missense changes on protein structure and function (SIFT, PolyPhen-2, Align-GVGD) all suggest that this variant is likely to be disruptive, but these predictions have not been confirmed by published functional studies and their clinical significance is uncertain. This variant has not been reported in the literature in individuals with RAB28-related conditions. This variant is not present in population databases (ExAC no frequency). This sequence change replaces glutamine with arginine at codon 43 of the RAB28 protein (p.Gln43Arg). The glutamine residue is highly conserved and there is a small physicochemical difference between glutamine and arginine.